The following is an entry in ClinVar:

ClinVar aggregate classification (germline): Uncertain significance (1 of 4 stars; one submission).

Submission:

GeneDx
Classification: Uncertain significance. Last evaluated: 2024-09-10. Review status: criteria provided, single submitter. Criteria: GeneDx Variant Classification Process June 2021. Collection method: clinical testing. Allele origin: germline. Affected: yes.
Comment: Not observed at significant frequency in large population cohorts (gnomAD); In silico analysis supports that this missense variant has a deleterious effect on protein structure/function; Has not been previously published as pathogenic or benign to our knowledge; Variants in candidate genes are classified as variants of uncertain significance in accordance with ACMG guidelines (PMID: 25741868)

NM_001048183.3(PHACTR4):c.1865G>C (p.Arg622Pro)

Gene: PHACTR4 (phosphatase and actin regulator 4; plus strand). Cytogenetic location: 1p35.3.
Variant type: single nucleotide variant.
Coding change: c.1865G>C on transcript NM_001048183.3 (MANE Select); coding-DNA position 1865, G replaced by C.
Protein change: p.Arg622Pro; replaces arginine 622 with proline.
Molecular consequence: missense variant.
Genome position (GRCh38, 1-based): chr1:28,490,999, G>C. VCF-style: chr1-28490999-G-C. GRCh37 (hg19) VCF-style: chr1-28817511-G-C.
Other names: c.1889G>C, p.Arg630Pro (NM_001350158.2, NM_001350159.2); c.1865G>C, p.Arg622Pro (NM_001350160.2); c.1817G>C, p.Arg606Pro (NM_001350161.2); c.1895G>C, p.Arg632Pro (NM_023923.4); short protein forms R606P, R622P, R630P, R632P.
Identifiers: ClinVar variation 3340526 (VCV003340526.1).